The following is an entry in ClinVar:

ClinVar aggregate classification (germline): Uncertain significance (1 of 4 stars; one submission).

gnomAD v4.1: 3 of 1,123,079 alleles (0.00027%); highest among the groups gnomAD compares: East Asian, 0.0066%; no homozygotes.

Submission:

GeneDx
Classification: Uncertain significance. Last evaluated: 2025-09-17. Review status: criteria provided, single submitter. Criteria: GeneDx Variant Classification Process June 2021. Collection method: clinical testing. Allele origin: germline.
Comment: Canonical splice site variant in a gene or region of a gene for which loss of function is not a well-established mechanism of disease; Has not been previously published as pathogenic or benign to our knowledge; Reported using an alternate transcript of the gene

NM_001243197.2(IQSEC2):c.26+1G>A

Gene: IQSEC2 (IQ motif and Sec7 domain ArfGEF 2; minus strand). Cytogenetic location: Xp11.22.
Variant type: single nucleotide variant.
Coding change: c.26+1G>A on transcript NM_001243197.2 (MANE Plus Clinical); the canonical splice donor site of the intron after coding-DNA position 26, G replaced by A.
Molecular consequence: splice donor variant. On other transcripts: intron variant (2).
Genome position (GRCh38, 1-based): chrX:53,281,495, C>T on the plus strand (G>A on the coding strand, the complement: IQSEC2 is on the minus strand). VCF-style: chrX-53281495-C-T. GRCh37 (hg19) VCF-style: chrX-53310677-C-T.
Other names: c.737+10400G>A (NM_001410736.1, NM_001111125.3); c.26+1G>A (NM_015075.2).
Identifiers: ClinVar variation 3774305 (VCV003774305.2).